The following is an entry in ClinVar:

ClinVar aggregate classification (germline): Conflicting classifications of pathogenicity. Review status: criteria provided, conflicting classifications (1 of 4 stars). 4 submissions from 4 submitters: Uncertain significance (1); Likely benign (3). Last evaluated 2026-01-26.

Conditions:
Propionic acidemia (PROP). Also called: GLYCINEMIA, KETOTIC; HYPERGLYCINEMIA WITH KETOACIDOSIS AND LEUKOPENIA; KETOTIC HYPERGLYCINEMIA. Identifiers: Orphanet 35, MedGen C0268579, MONDO:0011628, OMIM 606054, HP:0003571.

Allele frequency attached by ClinVar (database versions not stated): ESP Exome Variant Server 0.00015; ExAC 0.00019; gnomAD 0.00021 and 0.00025; gnomAD exomes 0.00021 and 0.00027; TOPMed 0.00025; 1000 Genomes Project 0.00040; 1000 Genomes Project 30x 0.00047.
gnomAD v4.1: 425 of 1,614,182 alleles (0.026%); highest among the groups gnomAD compares: Non-Finnish European, 0.031%; no homozygotes.

Submissions (4):

Labcorp Genetics (formerly Invitae), Labcorp
Classification: Likely benign for Propionic acidemia. Last evaluated: 2026-01-26. Review status: criteria provided, single submitter. Criteria: Invitae Variant Classification Sherloc (09022015). Collection method: clinical testing. Allele origin: germline.

Mayo Clinic Laboratories, Mayo Clinic
Classification: Likely benign. Last evaluated: 2025-03-19. Review status: criteria provided, single submitter. Criteria: ACMG Guidelines, 2015. Collection method: clinical testing. Allele origin: germline. Observed: 1 variant allele.
Comment: BP4, BP7

Blueprint Genetics
Classification: Likely benign. Last evaluated: 2024-06-07. Review status: criteria provided, single submitter. Criteria: ACMG Guidelines, 2015. Collection method: clinical testing. Allele origin: germline.

CeGaT Center for Human Genetics Tuebingen
Classification: Uncertain significance. Last evaluated: 2017-05-01. Review status: criteria provided, single submitter. Criteria: CeGaT Center For Human Genetics Tuebingen Variant Classification Criteria Version 2. Collection method: clinical testing. Allele origin: germline. Affected: yes. Observed: 1 variant allele.

NM_000532.5(PCCB):c.303+8T>A

Gene: PCCB (propionyl-CoA carboxylase subunit beta; plus strand). Cytogenetic location: 3q22.3.
Variant type: single nucleotide variant.
Coding change: c.303+8T>A on transcript NM_000532.5 (MANE Select); 8 bases into the intron after coding-DNA position 303, T replaced by A.
Molecular consequence: intron variant.
Genome position (GRCh38, 1-based): chr3:136,255,983, T>A. VCF-style: chr3-136255983-T-A. GRCh37 (hg19) VCF-style: chr3-135974825-T-A.
Other names: p.?; c.303+8T>A (NM_001178014.2).
Identifiers: ClinVar variation 444618 (VCV000444618.54), dbSNP rs199769617, ClinGen allele CA2631658.